The following is an entry in ClinVar:

ClinVar aggregate classification (germline): Uncertain significance (1 of 4 stars; one submission).

Allele frequency attached by ClinVar (database versions not stated): gnomAD exomes below 0.00001.
gnomAD v4.1: 1 of 1,210,246 alleles (0.000083%); highest among the groups gnomAD compares: African/African-American, 0.0017%; no homozygotes.

Submission:

GeneDx
Classification: Uncertain significance. Last evaluated: 2022-08-09. Review status: criteria provided, single submitter. Criteria: GeneDx Variant Classification Process June 2021. Collection method: clinical testing. Allele origin: germline. Affected: yes.
Comment: Not observed at significant frequency in large population cohorts (gnomAD); In silico analysis supports that this missense variant does not alter protein structure/function; Has not been previously published as pathogenic or benign to our knowledge

NM_020922.5(WNK3):c.2507A>C (p.Asp836Ala)

Gene: WNK3 (WNK lysine deficient protein kinase 3; minus strand). Cytogenetic location: Xp11.22.
Variant type: single nucleotide variant.
Coding change: c.2507A>C on transcript NM_020922.5 (MANE Select); coding-DNA position 2507, A replaced by C.
Protein change: p.Asp836Ala; replaces aspartic acid 836 with alanine.
Molecular consequence: missense variant.
Genome position (GRCh38, 1-based): chrX:54,251,548, T>G on the plus strand (A>C on the coding strand, the complement: WNK3 is on the minus strand). VCF-style: chrX-54251548-T-G. GRCh37 (hg19) VCF-style: chrX-54277981-T-G.
Other names: c.2507A>C, p.Asp836Ala (NM_001002838.4, NM_001395166.1); short protein forms D836A.
Identifiers: ClinVar variation 2429596 (VCV002429596.1), dbSNP rs2520691420, ClinGen allele CA413355204.
Genomic context (GRCh38, chrX:54,251,548, plus strand): 5'-GATTCATATCTGAGAAGATCTGTTTGCTAAACAATTGTTCTCACCTGGCTACTGTTGGAG[T>G]CCACAGTAATAGAATCAACTCCAGTGGCTCTTTCTGTGGCAAAGTGGACATGAAGGATCT-3'
Protein context (NP_065973.2, residues 826-846): RATGVDSITV[Asp836Ala]SNSSQTGSSE